The following is an entry in ClinVar:

NM_004415.4(DSP):c.3507C>T (p.Tyr1169=)

Gene: DSP (desmoplakin; plus strand). Cytogenetic location: 6p24.3.
Variant type: single nucleotide variant.
Coding change: c.3507C>T on transcript NM_004415.4 (MANE Select); coding-DNA position 3507, C replaced by T.
Protein change: p.Tyr1169=; no amino-acid change (tyrosine 1169 retained).
Molecular consequence: synonymous variant.
Genome position (GRCh38, 1-based): chr6:7,579,697, C>T. VCF-style: chr6-7579697-C-T. GRCh37 (hg19) VCF-style: chr6-7579930-C-T.
Other names: c.3507C>T, p.Tyr1169= (NM_001008844.3, NM_001319034.2).
Identifiers: ClinVar variation 179013 (VCV000179013.36), dbSNP rs148894066, ClinGen allele CA005818.

ClinVar aggregate classification (germline): Conflicting classifications of pathogenicity. Review status: criteria provided, conflicting classifications (1 of 4 stars). 13 submissions from 11 submitters: Uncertain significance (3); Benign (2); Likely benign (7). 1 of the submissions does not count toward it. Last evaluated 2026-07-01.

Conditions:
Cardiovascular phenotype. Identifiers: MedGen CN230736.
DSP-related disorder. Also called: DSP-related condition; DSP-related disorders.
Arrhythmogenic right ventricular dysplasia 8 (ARVD8). Also called: ARRHYTHMOGENIC RIGHT VENTRICULAR DYSPLASIA, FAMILIAL, 8; Arrhythmogenic Right Ventricular Dysplasia/Cardiomyopathy 8; ARRHYTHMOGENIC RIGHT VENTRICULAR CARDIOMYOPATHY 8. Identifiers: MedGen C1843896, MONDO:0011831, OMIM 607450.
Arrhythmogenic cardiomyopathy with wooly hair and keratoderma. Also called: Arrhythmogenic cardiomyopathy with woolly hair and keratoderma; PALMOPLANTAR KERATODERMA WITH LEFT VENTRICULAR CARDIOMYOPATHY AND WOOLLY HAIR; Dilated cardiomyopathy with woolly hair and keratoderma; Carvajal syndrome. Identifiers: Orphanet 65282, MedGen C1854063, MONDO:0011581, OMIM 605676.
Cardiomyopathy (CMYO). Also called: Cardiomyopathies. Identifiers: Orphanet 167848, MedGen C0878544, MONDO:0004994, HP:0001638. Inheritance: Various modes of inheritance.
Woolly hair-skin fragility syndrome (WHSF). Identifiers: Orphanet 293165, MedGen C1843292, MONDO:0957307, OMIM 620415.
Lethal acantholytic epidermolysis bullosa (EBLA). Identifiers: Orphanet 158687, MedGen C1864826, MONDO:0012323, OMIM 609638.

Allele frequency attached by ClinVar (database versions not stated): gnomAD 0.00005 and 0.00009; TOPMed 0.00009; ExAC 0.00012; gnomAD exomes 0.00014; 1000 Genomes Project 30x 0.00078; 1000 Genomes Project 0.00080.
gnomAD v4.1: 59 of 1,613,320 alleles (0.0037%); highest among the groups gnomAD compares: East Asian, 0.098%; no homozygotes.

Submissions (13):

CeGaT Center for Human Genetics Tuebingen
Classification: Likely benign. Last evaluated: 2026-07-01. Review status: criteria provided, single submitter. Criteria: CeGaT Center For Human Genetics Tuebingen Variant Classification Criteria Version 2. Collection method: clinical testing. Allele origin: germline. Affected: yes. Observed: 1 variant allele.
Comment: DSP: BP4, BP7

Labcorp Genetics (formerly Invitae), Labcorp
Classification: Benign for Arrhythmogenic cardiomyopathy with wooly hair and keratoderma; Arrhythmogenic right ventricular dysplasia 8. Last evaluated: 2026-01-28. Review status: criteria provided, single submitter. Criteria: Invitae Variant Classification Sherloc (09022015). Collection method: clinical testing. Allele origin: germline.

All of Us Research Program, National Institutes of Health
Classification: Likely benign for Arrhythmogenic cardiomyopathy with wooly hair and keratoderma. Last evaluated: 2023-12-13. Review status: criteria provided, single submitter. Criteria: ACMG Guidelines, 2015. Collection method: clinical testing. Allele origin: germline. Inheritance: Autosomal dominant inheritance. Observed: 13 variant alleles, 13 heterozygotes.
Comment: This study involves interpretation of variants in research participants for the purpose of population health screening. Participant phenotype was not available at the time of variant classification. Additional details can be found in publication PMID: 35346344, PMCID: PMC8962531

Blueprint Genetics
Classification: Likely benign. Last evaluated: 2022-03-15. Review status: criteria provided, single submitter. Criteria: ACMG Guidelines, 2015. Collection method: clinical testing. Allele origin: germline.

Ambry Genetics
Classification: Likely benign for Cardiovascular phenotype. Last evaluated: 2019-02-08. Review status: criteria provided, single submitter. Criteria: Ambry Variant Classification Scheme 2023. Collection method: clinical testing. Allele origin: germline.

Women's Health and Genetics/Laboratory Corporation of America, LabCorp
Classification: Benign. Last evaluated: 2019-01-21. Review status: criteria provided, single submitter. Criteria: LabCorp Variant Classification Summary - May 2015. Collection method: clinical testing. Allele origin: germline.
Comment: Variant summary: DSP c.3507C>T alters a non-conserved nucleotide resulting in a synonymous change. 5/5 computational tools predict no significant impact on normal splicing. However, these predictions have yet to be confirmed by functional studies. The variant allele was found at a frequency of 0.00013 in 276034 control chromosomes, predominantly at a frequency of 0.0014 within the East Asian subpopulation in the gnomAD database. The observed variant frequency within East Asian control individuals in the gnomAD database is approximately 56 fold of the estimated maximal expected allele frequency for a pathogenic variant in DSP causing Cardiomyopathy phenotype (2.5e-05), strongly suggesting that the variant is a benign polymorphism found primarily in populations of East Asian origin. To our knowledge, no occurrence of c.3507C>T in individuals affected with Cardiomyopathy and no experimental evidence demonstrating its impact on protein function have been reported. Three ClinVar submissions from clinical diagnostic laboratories (evaluation after 2014) cite the variant as likely benign. Based on the evidence outlined above, the variant was classified as benign.

GeneDx
Classification: Likely benign. Last evaluated: 2018-06-05. Review status: criteria provided, single submitter. Criteria: GeneDx Variant Classification Process June 2021. Collection method: clinical testing. Allele origin: germline. Affected: yes.

Color Diagnostics, LLC DBA Color Health
Classification: Likely benign for Cardiomyopathy. Last evaluated: 2018-05-11. Review status: criteria provided, single submitter. Criteria: ACMG Guidelines, 2015. Collection method: clinical testing. Allele origin: germline.

Illumina Laboratory Services, Illumina
Classification: Uncertain significance for Arrhythmogenic cardiomyopathy with wooly hair and keratoderma. Last evaluated: 2018-01-13. Review status: criteria provided, single submitter. Criteria: ICSL Variant Classification Criteria 13 December 2019. Collection method: clinical testing. Allele origin: germline.

Illumina Laboratory Services, Illumina
Classification: Uncertain significance for Lethal acantholytic epidermolysis bullosa. Last evaluated: 2018-01-13. Review status: criteria provided, single submitter. Criteria: ICSL Variant Classification Criteria 13 December 2019. Collection method: clinical testing. Allele origin: germline.

Illumina Laboratory Services, Illumina
Classification: Uncertain significance for Arrhythmogenic right ventricular dysplasia 8. Last evaluated: 2018-01-13. Review status: criteria provided, single submitter. Criteria: ICSL Variant Classification Criteria 13 December 2019. Collection method: clinical testing. Allele origin: germline.

Laboratory for Molecular Medicine, Mass General Brigham Personalized Medicine
Classification: Likely benign. Last evaluated: 2014-09-04. Review status: criteria provided, single submitter. Criteria: LMM Criteria. Collection method: clinical testing. Allele origin: germline. Observed: 1 variant allele.
Comment: Tyr1169Tyr in exon 23 of DSP: This variant is not expected to have clinical sign ificance because it does not alter an amino acid residue and is not located with in the splice consensus sequence. It has also been identified in 0.8% (3/394) of Chinese chromosomes from a broad population by the 1000 Genomes Projec (dbSNP r s148894066).

PreventionGenetics, part of Exact Sciences
Classification: Likely benign for DSP-related condition. Last evaluated: 2024-04-18. Review status: no assertion criteria provided. Collection method: clinical testing. Allele origin: germline. Not counted in ClinVar's aggregate classification.
Comment: This variant is classified as likely benign based on ACMG/AMP sequence variant interpretation guidelines (Richards et al. 2015 PMID: 25741868, with internal and published modifications).